The following is an entry in ClinVar:

NC_000010.10:g.(?_55955423)_(55955669_?)del

Gene: PCDH15 (protocadherin related 15; minus strand). Cytogenetic location: 10q21.1.
Variant type: Deletion.
Identifiers: ClinVar variation 2427096 (VCV002427096.4).

ClinVar aggregate classification (germline): Uncertain significance (1 of 4 stars; one submission).

Submission:

Labcorp Genetics (formerly Invitae), Labcorp
Classification: Uncertain significance. Last evaluated: 2021-12-08. Review status: criteria provided, single submitter. Criteria: Invitae Variant Classification Sherloc (09022015). Collection method: clinical testing. Allele origin: germline.
Comment: Experimental studies and prediction algorithms are not available or were not evaluated, and the functional significance of this variant is currently unknown. In summary, the available evidence is currently insufficient to determine the role of this variant in disease. Therefore, it has been classified as a Variant of Uncertain Significance. This variant disrupts a region of the PCDH15 protein in which other variant(s) (p.Leu429Pro) have been observed in individuals with PCDH15-related conditions (PMID: 23767834). This suggests that this is a clinically significant region of the protein, and that variants that disrupt it are likely to be disease-causing. This variant has not been reported in the literature in individuals affected with PCDH15-related conditions. This variant is a gross deletion of the genomic region encompassing exon(s) 11 of the PCDH15 gene. This variant would be expected to be in-frame, preserving the integrity of the reading frame.

Literature cited by the submitters: PubMed 23767834.